The following is an entry in ClinVar:

NM_000057.4(BLM):c.4066A>C (p.Lys1356Gln)

Gene: BLM (BLM RecQ like helicase; plus strand). Cytogenetic location: 15q26.1.
Variant type: single nucleotide variant.
Coding change: c.4066A>C on transcript NM_000057.4 (MANE Select); coding-DNA position 4066, A replaced by C.
Protein change: p.Lys1356Gln; replaces lysine 1356 with glutamine.
Molecular consequence: missense variant.
Genome position (GRCh38, 1-based): chr15:90,811,396, A>C. VCF-style: chr15-90811396-A-C. GRCh37 (hg19) VCF-style: chr15-91354626-A-C.
Other names: c.4066A>C, p.Lys1356Gln (NM_001287246.2); c.3673A>C, p.Lys1225Gln (NM_001287247.2); c.2941A>C, p.Lys981Gln (NM_001287248.2); short protein forms K1356Q, K1225Q, K981Q.
Identifiers: ClinVar variation 3659988 (VCV003659988.3).
Genomic context (GRCh38, chr15:90,811,396, plus strand): 5'-AGGAAAAAGATGCCAGCCTCCCAAAGGTCTAAGAGGAGAAAAACTGCTTCCAGTGGTTCC[A>C]AGGCAAAGGGGTATGTTTTGTGACATCTTTTTCAATATAGGGAACAAGGGAAGAAAGGAC-3'
Protein context (NP_000048.1, residues 1346-1366): KRRKTASSGS[Lys1356Gln]AKGGSATCRK

ClinVar aggregate classification (germline): Uncertain significance. Review status: criteria provided, multiple submitters, no conflicts (2 of 4 stars). 2 submissions from 2 submitters: Uncertain significance (2). Last evaluated 2025-01-19.

Conditions:
Hereditary cancer-predisposing syndrome. Also called: Hereditary Cancer Syndrome; Tumor predisposition; Hereditary neoplastic syndrome; Neoplastic Syndromes, Hereditary. Identifiers: Orphanet 140162, MedGen C0027672, MeSH D009386, MONDO:0015356.
Bloom syndrome (BLM). Also called: Bloom-Torre-Machacek syndrome. Identifiers: Orphanet 125, MedGen C0005859, MONDO:0008876, OMIM 210900.

Submissions (2):

Ambry Genetics
Classification: Uncertain significance for Hereditary cancer-predisposing syndrome. Last evaluated: 2025-01-19. Review status: criteria provided, single submitter. Criteria: Ambry Variant Classification Scheme 2023. Collection method: clinical testing. Allele origin: germline.
Comment: The p.K1356Q variant (also known as c.4066A>C), located in coding exon 20 of the BLM gene, results from an A to C substitution at nucleotide position 4066. The lysine at codon 1356 is replaced by glutamine, an amino acid with similar properties. This amino acid position is conserved. In addition, this alteration is predicted to be tolerated by in silico analysis. Based on the available evidence, the clinical significance of this variant remains unclear.

Labcorp Genetics (formerly Invitae), Labcorp
Classification: Uncertain significance for Bloom syndrome. Last evaluated: 2024-07-20. Review status: criteria provided, single submitter. Criteria: Invitae Variant Classification Sherloc (09022015). Collection method: clinical testing. Allele origin: germline.
Comment: This sequence change replaces lysine, which is basic and polar, with glutamine, which is neutral and polar, at codon 1356 of the BLM protein (p.Lys1356Gln). This variant is not present in population databases (gnomAD no frequency). This variant has not been reported in the literature in individuals affected with BLM-related conditions. Advanced modeling of protein sequence and biophysical properties (such as structural, functional, and spatial information, amino acid conservation, physicochemical variation, residue mobility, and thermodynamic stability) performed at Invitae indicates that this missense variant is not expected to disrupt BLM protein function with a negative predictive value of 80%. In summary, the available evidence is currently insufficient to determine the role of this variant in disease. Therefore, it has been classified as a Variant of Uncertain Significance.